The following is an entry in ClinVar:

NM_176787.5(PIGN):c.1557G>A (p.Trp519Ter)

Gene: PIGN (phosphatidylinositol glycan anchor biosynthesis class N; minus strand). Cytogenetic location: 18q21.33.
Variant type: single nucleotide variant.
Coding change: c.1557G>A on transcript NM_176787.5 (MANE Select); coding-DNA position 1557, G replaced by A.
Protein change: p.Trp519Ter; replaces tryptophan 519 with a stop codon.
Molecular consequence: nonsense.
Genome position (GRCh38, 1-based): chr18:62,109,851, C>T on the plus strand (G>A on the coding strand, the complement: PIGN is on the minus strand). VCF-style: chr18-62109851-C-T. GRCh37 (hg19) VCF-style: chr18-59777084-C-T.
Other names: c.1557G>A, p.Trp519Ter (NM_012327.6); short protein forms W519*.
Identifiers: ClinVar variation 982424 (VCV000982424.1), dbSNP rs560010455, ClinGen allele CA402605381.

ClinVar aggregate classification (germline): Likely pathogenic (1 of 4 stars; one submission).

Conditions:
Multiple congenital anomalies-hypotonia-seizures syndrome 1 (MCAHS1). Also called: PIGN-CDG; Congenital disorder of glycosylation due to PIGN deficiency; GLYCOSYLPHOSPHATIDYLINOSITOL BIOSYNTHESIS DEFECT 3. Identifiers: Orphanet 280633, MedGen C3279775, MONDO:0013563, OMIM 614080.

gnomAD v4.1: 1 of 1,612,152 alleles (0.000062%); no homozygotes.

Submission:

HudsonAlpha Institute for Biotechnology
Classification: Likely pathogenic for Multiple congenital anomalies-hypotonia-seizures syndrome 1. Last evaluated: 2020-07-31. Review status: criteria provided, single submitter. Criteria: ACMG Guidelines, 2015. Collection method: research. Allele origin: maternal. Observed: 1 variant allele. Study: CSER-SouthSeq.
Comment: ACMG codes:PVS1, PM2